The following is an entry in ClinVar:

NM_002691.4(POLD1):c.2278A>G (p.Met760Val)

Gene: POLD1 (DNA polymerase delta 1, catalytic subunit; plus strand). Cytogenetic location: 19q13.33.
Variant type: single nucleotide variant.
Coding change: c.2278A>G on transcript NM_002691.4 (MANE Select); coding-DNA position 2278, A replaced by G.
Protein change: p.Met760Val; replaces methionine 760 with valine.
Molecular consequence: missense variant. On other transcripts: non-coding transcript variant (1).
Genome position (GRCh38, 1-based): chr19:50,413,769, A>G. VCF-style: chr19-50413769-A-G. GRCh37 (hg19) VCF-style: chr19-50917026-A-G.
Other names: c.2278A>G, p.Met760Val (NM_001256849.1); c.2356A>G, p.Met786Val (NM_001308632.1); c.2278A>G (NM_002691.2); short protein forms M760V, M786V.
Identifiers: ClinVar variation 2504859 (VCV002504859.2), dbSNP rs2122446968, ClinGen allele CA406984034.

ClinVar aggregate classification (germline): Uncertain significance. Review status: criteria provided, multiple submitters, no conflicts (2 of 4 stars). 2 submissions from 2 submitters: Uncertain significance (2). Last evaluated 2024-09-30.

Conditions:
Hereditary cancer-predisposing syndrome. Also called: Hereditary Cancer Syndrome; Hereditary neoplastic syndrome; Neoplastic Syndromes, Hereditary; Tumor predisposition. Identifiers: Orphanet 140162, MedGen C0027672, MeSH D009386, MONDO:0015356.

Submissions (2):

Ambry Genetics
Classification: Uncertain significance for Hereditary cancer-predisposing syndrome. Last evaluated: 2024-09-30. Review status: criteria provided, single submitter. Criteria: Ambry Variant Classification Scheme 2023. Collection method: clinical testing. Allele origin: germline.
Comment: The p.M760V variant (also known as c.2278A>G), located in coding exon 18 of the POLD1 gene, results from an A to G substitution at nucleotide position 2278. The methionine at codon 760 is replaced by valine, an amino acid with highly similar properties. This amino acid position is conserved. In addition, the in silico prediction for this alteration is inconclusive. Based on the available evidence, the clinical significance of this variant remains unclear.

GeneDx
Classification: Uncertain significance. Last evaluated: 2022-12-09. Review status: criteria provided, single submitter. Criteria: GeneDx Variant Classification Process June 2021. Collection method: clinical testing. Allele origin: germline. Affected: yes.
Comment: Not observed at significant frequency in large population cohorts (gnomAD); In silico analysis supports that this missense variant has a deleterious effect on protein structure/function; Has not been previously published as pathogenic or benign to our knowledge